The following is an entry in ClinVar:

ClinVar aggregate classification (germline): Uncertain significance. Review status: criteria provided, multiple submitters, no conflicts (2 of 4 stars). 3 submissions from 3 submitters: Uncertain significance (3). Last evaluated 2025-07-01.

Conditions:
Hereditary spastic paraplegia 11. Also called: Nakamura Osame syndrome; Autosomal recessive hereditary spastic paraplegia, mental impairment, and thin corpus callosum; Spastic paraplegia, mental retardation and thin corpus callosum; SPASTIC PARAPLEGIA, AUTOSOMAL RECESSIVE, COMPLICATED, WITH THIN CORPUS CALLOSUM; SPASTIC PARAPLEGIA, AUTOSOMAL RECESSIVE, WITH MENTAL IMPAIRMENT AND THIN CORPUS CALLOSUM; Spastic Paraplegia 11. Identifiers: Orphanet 2822, MedGen C1858479, MONDO:0011445, OMIM 604360.
Inborn genetic diseases. Identifiers: MedGen C0950123, MeSH D030342.

Allele frequency attached by ClinVar (database versions not stated): gnomAD exomes below 0.00001; ExAC 0.00001; gnomAD 0.00001 and 0.00002; TOPMed 0.00001; 1000 Genomes Project 30x 0.00016; 1000 Genomes Project 0.00020.
gnomAD v4.1: 7 of 1,613,904 alleles (0.00043%); highest among the groups gnomAD compares: South Asian, 0.0022%; no homozygotes.

Submissions (3):

GeneDx
Classification: Uncertain significance. Last evaluated: 2025-07-01. Review status: criteria provided, single submitter. Criteria: GeneDx Variant Classification Process June 2021. Collection method: clinical testing. Allele origin: germline. Affected: yes.
Comment: Not observed at significant frequency in large population cohorts (gnomAD); In silico analysis supports that this missense variant has a deleterious effect on protein structure/function; Has not been previously published as pathogenic or benign to our knowledge

Labcorp Genetics (formerly Invitae), Labcorp
Classification: Uncertain significance for Hereditary spastic paraplegia 11. Last evaluated: 2023-06-30. Review status: criteria provided, single submitter. Criteria: Invitae Variant Classification Sherloc (09022015). Collection method: clinical testing. Allele origin: germline.
Comment: This sequence change replaces arginine, which is basic and polar, with histidine, which is basic and polar, at codon 2209 of the SPG11 protein (p.Arg2209His). This variant is present in population databases (rs576265832, gnomAD 0.003%). This variant has not been reported in the literature in individuals affected with SPG11-related conditions. ClinVar contains an entry for this variant (Variation ID: 534869). Advanced modeling of protein sequence and biophysical properties (such as structural, functional, and spatial information, amino acid conservation, physicochemical variation, residue mobility, and thermodynamic stability) performed at Invitae indicates that this missense variant is expected to disrupt SPG11 protein function. In summary, the available evidence is currently insufficient to determine the role of this variant in disease. Therefore, it has been classified as a Variant of Uncertain Significance.

Ambry Genetics
Classification: Uncertain significance for Inborn genetic diseases. Last evaluated: 2022-08-15. Review status: criteria provided, single submitter. Criteria: Ambry Variant Classification Scheme 2023. Collection method: clinical testing. Allele origin: germline.
Comment: The p.R2209H variant (also known as c.6626G>A), located in coding exon 36 of the SPG11 gene, results from a G to A substitution at nucleotide position 6626. The arginine at codon 2209 is replaced by histidine, an amino acid with highly similar properties. This amino acid position is conserved. In addition, the in silico prediction for this alteration is inconclusive. Since supporting evidence is limited at this time, the clinical significance of this alteration remains unclear.

NM_025137.4(SPG11):c.6626G>A (p.Arg2209His)

Gene: SPG11 (SPG11 vesicle trafficking associated, spatacsin; minus strand). Cytogenetic location: 15q21.1.
Variant type: single nucleotide variant.
Coding change: c.6626G>A on transcript NM_025137.4 (MANE Select); coding-DNA position 6626, G replaced by A.
Protein change: p.Arg2209His; replaces arginine 2209 with histidine.
Molecular consequence: missense variant.
Genome position (GRCh38, 1-based): chr15:44,567,552, C>T on the plus strand (G>A on the coding strand, the complement: SPG11 is on the minus strand). VCF-style: chr15-44567552-C-T. GRCh37 (hg19) VCF-style: chr15-44859750-C-T.
Other names: c.6287G>A, p.Arg2096His (NM_001160227.2); short protein forms R2209H, R2096H.
Identifiers: ClinVar variation 534869 (VCV000534869.9), dbSNP rs576265832, ClinGen allele CA7534059.
Genomic context (GRCh38, chr15:44,567,552, plus strand): 5'-CGGCACATGCTGAAGCACAGGGCAATCATATTGTGCTTTTCACTGTCTCCAGGACGGCAG[C>T]GTTTGATGTAGTCCAGCAGGGCTGTTTTCAGGGTACCACTCTGCCCAGAATAAAAGGGAA-3'
Protein context (NP_079413.3, residues 2199-2219): LKTALLDYIK[Arg2209His]CRPGDSEKHN